The following is an entry in ClinVar:

ClinVar aggregate classification (germline): Likely pathogenic (1 of 4 stars; one submission).

Submission:

GeneDx
Classification: Likely pathogenic. Last evaluated: 2016-10-18. Review status: criteria provided, single submitter. Criteria: GeneDx Variant Classification (06012015). Collection method: clinical testing. Allele origin: germline. Affected: yes.
Comment: The Y73C missense variant in the ACADM gene has been reported in a patient with MCAD deficiency who harbored the common K329E pathogenic variant on the opposite ACADM allele (in trans) (Ventura et al. 2014). The Y73C variant was not observed in approximately 6500 individuals of European and African American ancestry in the NHLBI Exome Sequencing Project, indicating it is not a common benign variant in these populations. The Y73C variant is a non-conservative amino acid substitution, which is likely to impact secondary protein structure as these residues differ in polarity, charge, size and/or other properties. This substitution occurs at a position that is conserved across species. In silico analysis predicts this variant is probably damaging to the protein structure/function. In summary, we interpret this variant as likely pathogenic.

NM_000016.6(ACADM):c.218A>G (p.Tyr73Cys)

Gene: ACADM (acyl-CoA dehydrogenase medium chain; plus strand). Cytogenetic location: 1p31.1.
Variant type: single nucleotide variant.
Coding change: c.218A>G on transcript NM_000016.6 (MANE Select); coding-DNA position 218, A replaced by G.
Protein change: p.Tyr73Cys; replaces tyrosine 73 with cysteine.
Molecular consequence: missense variant. On other transcripts: 5 prime UTR variant (1).
Genome position (GRCh38, 1-based): chr1:75,732,854, A>G. VCF-style: chr1-75732854-A-G. GRCh37 (hg19) VCF-style: chr1-76198539-A-G.
Other names: c.230A>G, p.Tyr77Cys (NM_001127328.3); c.110A>G, p.Tyr37Cys (NM_001286042.2); c.218A>G, p.Tyr73Cys (NM_001286043.2); c.-168A>G (NM_001286044.2); short protein forms Y73C, Y77C, Y37C.
Identifiers: ClinVar variation 381630 (VCV000381630.2), dbSNP rs1057521114, ClinGen allele CA16603753.